The following is an entry in ClinVar:

ClinVar aggregate classification (germline): Uncertain significance (1 of 4 stars; one submission).

Conditions:
Lethal multiple pterygium syndrome (LMPS). Identifiers: Orphanet 33108, MedGen C1854678, MONDO:0009668, OMIM 253290.

Allele frequency attached by ClinVar (database versions not stated): TOPMed 0.00002.
gnomAD v4.1: 1 of 1,614,200 alleles (0.000062%); highest among the groups gnomAD compares: Admixed American, 0.0017%; no homozygotes.

Submission:

Labcorp Genetics (formerly Invitae), Labcorp
Classification: Uncertain significance for Lethal multiple pterygium syndrome. Last evaluated: 2021-11-27. Review status: criteria provided, single submitter. Criteria: Invitae Variant Classification Sherloc (09022015). Collection method: clinical testing. Allele origin: germline.
Comment: In summary, the available evidence is currently insufficient to determine the role of this variant in disease. Therefore, it has been classified as a Variant of Uncertain Significance. Algorithms developed to predict the effect of sequence changes on RNA splicing suggest that this variant may create or strengthen a splice site. Advanced modeling of protein sequence and biophysical properties (such as structural, functional, and spatial information, amino acid conservation, physicochemical variation, residue mobility, and thermodynamic stability) performed at Invitae indicates that this missense variant is expected to disrupt CHRND protein function. This missense change has been observed in individual(s) with clinical features of fetal akinesia deformation sequence (Invitae). This variant is not present in population databases (gnomAD no frequency). This sequence change replaces leucine, which is neutral and non-polar, with valine, which is neutral and non-polar, at codon 88 of the CHRND protein (p.Leu88Val).

NM_000751.3(CHRND):c.262C>G (p.Leu88Val)

Gene: CHRND (cholinergic receptor nicotinic delta subunit; plus strand). Cytogenetic location: 2q37.1.
Variant type: single nucleotide variant.
Coding change: c.262C>G on transcript NM_000751.3 (MANE Select); coding-DNA position 262, C replaced by G.
Protein change: p.Leu88Val; replaces leucine 88 with valine.
Molecular consequence: missense variant. On other transcripts: 5 prime UTR variant (2).
Genome position (GRCh38, 1-based): chr2:232,528,280, C>G. VCF-style: chr2-232528280-C-G. GRCh37 (hg19) VCF-style: chr2-233392990-C-G.
Other names: c.217C>G, p.Leu73Val (NM_001256657.2); c.-10C>G (NM_001311195.2, NM_001311196.2); short protein forms L88V, L73V.
Identifiers: ClinVar variation 1392711 (VCV001392711.6), dbSNP rs180971628, ClinGen allele CA350997413.